The following is an entry in ClinVar:

NM_002335.4(LRP5):c.3946C>T (p.Arg1316Cys)

Gene: LRP5 (LDL receptor related protein 5; plus strand). Cytogenetic location: 11q13.2.
Variant type: single nucleotide variant.
Coding change: c.3946C>T on transcript NM_002335.4 (MANE Select); coding-DNA position 3946, C replaced by T.
Protein change: p.Arg1316Cys; replaces arginine 1316 with cysteine.
Molecular consequence: missense variant.
Genome position (GRCh38, 1-based): chr11:68,433,784, C>T. VCF-style: chr11-68433784-C-T. GRCh37 (hg19) VCF-style: chr11-68201252-C-T.
Other names: c.2203C>T, p.Arg735Cys (NM_001291902.2); short protein forms R1316C, R735C.
Identifiers: ClinVar variation 2055525 (VCV002055525.5), dbSNP rs768904962, ClinGen allele CA224251075.

ClinVar aggregate classification (germline): Uncertain significance. Review status: criteria provided, multiple submitters, no conflicts (2 of 4 stars). 2 submissions from 2 submitters: Uncertain significance (2). Last evaluated 2025-02-10.

Allele frequency attached by ClinVar (database versions not stated): gnomAD 0.00001; gnomAD exomes 0.00001; TOPMed 0.00001.
gnomAD v4.1: 13 of 1,612,458 alleles (0.00081%); highest among the groups gnomAD compares: East Asian, 0.0067%; no homozygotes.

Submissions (2):

Women's Health and Genetics/Laboratory Corporation of America, LabCorp
Classification: Uncertain significance. Last evaluated: 2025-02-10. Review status: criteria provided, single submitter. Criteria: LabCorp Variant Classification Summary - May 2015. Collection method: clinical testing. Allele origin: germline.
Comment: Variant summary: LRP5 c.3946C>T (p.Arg1316Cys) results in a non-conservative amino acid change located in the Low-density lipoprotein receptor domain class A domain (IPR002172) of the encoded protein sequence. Four of five in-silico tools predict a damaging effect of the variant on protein function. The variant allele was found at a frequency of 4.1e-06 in 246872 control chromosomes. The available data on variant occurrences in the general population are insufficient to allow any conclusion about variant significance. c.3946C>T has been reported internally in at least 1 individual affected with LRP5-related conditions (Labcorp Genetics (formerly Invitae)). These data do not allow any conclusion about variant significance. To our knowledge, no experimental evidence demonstrating an impact on protein function has been reported. ClinVar contains an entry for this variant (Variation ID: 2055525). Based on the evidence outlined above, the variant was classified as uncertain significance.

Labcorp Genetics (formerly Invitae), Labcorp
Classification: Uncertain significance. Last evaluated: 2022-03-16. Review status: criteria provided, single submitter. Criteria: Invitae Variant Classification Sherloc (09022015). Collection method: clinical testing. Allele origin: germline.
Comment: Advanced modeling of protein sequence and biophysical properties (such as structural, functional, and spatial information, amino acid conservation, physicochemical variation, residue mobility, and thermodynamic stability) performed at Invitae indicates that this missense variant is expected to disrupt LRP5 protein function. In summary, the available evidence is currently insufficient to determine the role of this variant in disease. Therefore, it has been classified as a Variant of Uncertain Significance. This missense change has been observed in individual(s) with LRP5-related conditions (Invitae). This sequence change replaces arginine, which is basic and polar, with cysteine, which is neutral and slightly polar, at codon 1316 of the LRP5 protein (p.Arg1316Cys). This variant is present in population databases (rs768904962, gnomAD 0.0009%).